The following is an entry in ClinVar:

ClinVar aggregate classification (germline): Pathogenic (1 of 4 stars; one submission).

Conditions:
Developmental and epileptic encephalopathy, 53. Also called: Epileptic encephalopathy, early infantile, 53. Identifiers: MedGen C4479313, MONDO:0033362, OMIM 617389.

Allele frequency attached by ClinVar (database versions not stated): gnomAD exomes below 0.00001.
gnomAD v4.1: 1 of 1,614,094 alleles (0.000062%); highest among the groups gnomAD compares: Non-Finnish European, 0.000085%; no homozygotes.

Submission:

Foundation for Research in Genetics and Endocrinology, FRIGE's Institute of Human Genetics
Classification: Pathogenic for Developmental and epileptic encephalopathy, 53. Last evaluated: 2020-06-16. Review status: criteria provided, single submitter. Criteria: ACMG Guidelines, 2015. Collection method: clinical testing. Allele origin: germline. Inheritance: Autosomal recessive inheritance. Affected: yes. Observed: 1 homozygote.
Comment: A homozygous nonsense variation in exon 24 of the SYNJ1 gene that results in a stop codon and premature truncation of the protein at codon 1109 was detected. The observed variant c.3325C>T (p.Arg1109Ter) has not been reported in the 1000 genomes database and has a minor allele frequency of 0.0004% in the gnomAD database. The in silico prediction of the variant is damaging by MutationTaster2. The reference codon is conserved across species. In summary, the variant meets our criteria to be classified as pathogenic.

NM_203446.3(SYNJ1):c.3208C>T (p.Arg1070Ter)

Gene: SYNJ1 (synaptojanin 1; minus strand). Cytogenetic location: 21q22.11.
Variant type: single nucleotide variant.
Coding change: c.3208C>T on transcript NM_203446.3 (MANE Select); coding-DNA position 3208, C replaced by T.
Protein change: p.Arg1070Ter; replaces arginine 1070 with a stop codon.
Molecular consequence: nonsense.
Genome position (GRCh38, 1-based): chr21:32,646,432, G>A on the plus strand (C>T on the coding strand, the complement: SYNJ1 is on the minus strand). VCF-style: chr21-32646432-G-A. GRCh37 (hg19) VCF-style: chr21-34018742-G-A.
Other names: c.3208C>T, p.Arg1070Ter (NM_001160302.2); c.3193C>T, p.Arg1065Ter (NM_001160306.2); c.3325C>T, p.Arg1109Ter (NM_003895.4); short protein forms R1065*, R1070*, R1109*.
Identifiers: ClinVar variation 978699 (VCV000978699.3), dbSNP rs1373545506, ClinGen allele CA410069109.